The following is an entry in ClinVar:

NM_004370.6(COL12A1):c.5429T>C (p.Leu1810Pro)

Gene: COL12A1 (collagen type XII alpha 1 chain; minus strand). Cytogenetic location: 6q13.
Variant type: single nucleotide variant.
Coding change: c.5429T>C on transcript NM_004370.6 (MANE Select); coding-DNA position 5429, T replaced by C.
Protein change: p.Leu1810Pro; replaces leucine 1810 with proline.
Molecular consequence: missense variant.
Genome position (GRCh38, 1-based): chr6:75,134,821, A>G on the plus strand (T>C on the coding strand, the complement: COL12A1 is on the minus strand). VCF-style: chr6-75134821-A-G. GRCh37 (hg19) VCF-style: chr6-75844537-A-G.
Other names: c.5429T>C, p.Leu1810Pro (NM_001424113.1); c.5408T>C, p.Leu1803Pro (NM_001424114.1); c.5156T>C, p.Leu1719Pro (NM_001424115.1); c.1937T>C, p.Leu646Pro (NM_001424116.1, NM_080645.3); short protein forms L1719P, L1803P, L646P, L1810P.
Identifiers: ClinVar variation 4782671 (VCV004782671.1).
Genomic context (GRCh38, chr6:75,134,821, plus strand): 5'-CCATCAGGATACAGAGAGGATACGGTGATAGTGTAAGGAGTGTCTGGCTTCAGTTTCTGC[A>G]GGACCACACTGTTCTGCCGTCCTCCTATTGTGGTCTTGAGTAAAAAGGGTCTTGGTAAGT-3'
Protein context (NP_004361.3, residues 1800-1820): TIGGRQNSVV[Leu1810Pro]QKLKPDTPYT

ClinVar aggregate classification (germline): Uncertain significance (1 of 4 stars; one submission).

Conditions:
Ullrich congenital muscular dystrophy 2 (UCMD2). Identifiers: Orphanet 75840, MedGen C4225314, MONDO:0014654, OMIM 616470.
Bethlem myopathy 2 (BTHLM2). Identifiers: Orphanet 536516, Orphanet 610, MedGen C4225313, MONDO:0034022, OMIM 616471.

gnomAD v4.1: 1 of 1,612,858 alleles (0.000062%); highest among the groups gnomAD compares: South Asian, 0.0011%; no homozygotes.

Submission:

Labcorp Genetics (formerly Invitae), Labcorp
Classification: Uncertain significance for Bethlem myopathy 2; Ullrich congenital muscular dystrophy 2. Last evaluated: 2025-10-29. Review status: criteria provided, single submitter. Criteria: Invitae Variant Classification Sherloc (09022015). Collection method: clinical testing. Allele origin: germline.
Comment: This sequence change replaces leucine, which is neutral and non-polar, with proline, which is neutral and non-polar, at codon 1810 of the COL12A1 protein (p.Leu1810Pro). This variant is not present in population databases (gnomAD no frequency). This variant has not been reported in the literature in individuals affected with COL12A1-related conditions. Invitae Evidence Modeling of protein sequence and biophysical properties (such as structural, functional, and spatial information, amino acid conservation, physicochemical variation, residue mobility, and thermodynamic stability) has been performed for this missense variant. However, the output from this modeling did not meet the statistical confidence thresholds required to predict the impact of this variant on COL12A1 protein function. In summary, the available evidence is currently insufficient to determine the role of this variant in disease. Therefore, it has been classified as a Variant of Uncertain Significance.